The following is an entry in ClinVar:

ClinVar aggregate classification (germline): Uncertain significance (1 of 4 stars; one submission).

Conditions:
ARHGAP32-related disorder. Also called: ARHGAP32-related condition.

Submission:

PreventionGenetics, part of Exact Sciences
Classification: Uncertain significance for ARHGAP32-related condition. Last evaluated: 2025-03-28. Review status: criteria provided, single submitter. Criteria: ACMG Guidelines, 2015. Collection method: clinical testing. Allele origin: germline.
Comment: The ARHGAP32 c.6206C>T variant is predicted to result in the amino acid substitution p.Ala2069Val. To our knowledge, this variant has not been reported in the literature or in a large population database (gnomAD), indicating this variant is rare. At this time, the clinical significance of this variant is uncertain due to the absence of conclusive functional and genetic evidence.

NM_001378024.1(ARHGAP32):c.6248C>T (p.Ala2083Val)

Gene: ARHGAP32 (Rho GTPase activating protein 32; minus strand). Cytogenetic location: 11q24.3.
Variant type: single nucleotide variant.
Coding change: c.6248C>T on transcript NM_001378024.1 (MANE Select); coding-DNA position 6248, C replaced by T.
Protein change: p.Ala2083Val; replaces alanine 2083 with valine.
Molecular consequence: missense variant.
Genome position (GRCh38, 1-based): chr11:128,968,965, G>A on the plus strand (C>T on the coding strand, the complement: ARHGAP32 is on the minus strand). VCF-style: chr11-128968965-G-A. GRCh37 (hg19) VCF-style: chr11-128838860-G-A.
Other names: c.6206C>T, p.Ala2069Val (NM_001142685.2); c.6086C>T, p.Ala2029Val (NM_001378025.1); c.5159C>T, p.Ala1720Val (NM_014715.4); short protein forms A1720V, A2029V, A2069V, A2083V.
Identifiers: ClinVar variation 2631713 (VCV002631713.2), dbSNP rs2497850385, ClinGen allele CA383248105.